The following is an entry in ClinVar:

ClinVar aggregate classification (germline): Likely benign. Review status: criteria provided, multiple submitters, no conflicts (2 of 4 stars). 2 submissions from 2 submitters: Likely benign (2). Last evaluated 2026-01-04.

Allele frequency attached by ClinVar (database versions not stated): ExAC 0.00001; gnomAD 0.00001; TOPMed 0.00001; gnomAD exomes 0.00002.
gnomAD v4.1: 12 of 1,610,730 alleles (0.00075%); highest among the groups gnomAD compares: Non-Finnish European, 0.00093%; no homozygotes.

Submissions (2):

Labcorp Genetics (formerly Invitae), Labcorp
Classification: Likely benign. Last evaluated: 2026-01-04. Review status: criteria provided, single submitter. Criteria: Invitae Variant Classification Sherloc (09022015). Collection method: clinical testing. Allele origin: germline.

CeGaT Center for Human Genetics Tuebingen
Classification: Likely benign. Last evaluated: 2023-01-01. Review status: criteria provided, single submitter. Criteria: CeGaT Center For Human Genetics Tuebingen Variant Classification Criteria Version 2. Collection method: clinical testing. Allele origin: germline. Affected: yes. Observed: 1 variant allele.
Comment: WDR1: BP4, BP7

NM_017491.5(WDR1):c.411T>C (p.Ser137=)

Gene: WDR1 (WD repeat domain 1; minus strand). Cytogenetic location: 4p16.1.
Variant type: single nucleotide variant.
Coding change: c.411T>C on transcript NM_017491.5 (MANE Select); coding-DNA position 411, T replaced by C.
Protein change: p.Ser137=; no amino-acid change (serine 137 retained).
Molecular consequence: synonymous variant. On other transcripts: intron variant (1).
Genome position (GRCh38, 1-based): chr4:10,097,858, A>G on the plus strand (T>C on the coding strand, the complement: WDR1 is on the minus strand). VCF-style: chr4-10097858-A-G. GRCh37 (hg19) VCF-style: chr4-10099482-A-G.
Other names: c.139-9117T>C (NM_005112.5).
Identifiers: ClinVar variation 2188866 (VCV002188866.32), dbSNP rs751283975, ClinGen allele CA2858060.